The following is an entry in ClinVar:

ClinVar aggregate classification (germline): Uncertain significance (1 of 4 stars; one submission).

Conditions:
FGFR3-related disorder. Also called: FGFR3-related disorders.

gnomAD v4.1: 16 of 1,612,654 alleles (0.00099%); highest among the groups gnomAD compares: East Asian, 0.011%; no homozygotes.

Submission:

PreventionGenetics, part of Exact Sciences
Classification: Uncertain significance for FGFR3-related condition. Last evaluated: 2026-07-06. Review status: criteria provided, single submitter. Criteria: ACMG Guidelines, 2015. Collection method: clinical testing. Allele origin: germline.
Comment: The FGFR3 c.1751C>T variant is predicted to result in the amino acid substitution p.Pro584Leu. To our knowledge, this variant has not been reported in the literature. This variant is reported in 0.0064% of alleles in individuals of African descent in gnomAD. At this time, the clinical significance of this variant is uncertain due to the absence of conclusive functional and genetic evidence.

NM_000142.5(FGFR3):c.1751C>T (p.Pro584Leu)

Gene: FGFR3 (fibroblast growth factor receptor 3; plus strand). Cytogenetic location: 4p16.3.
Variant type: single nucleotide variant.
Coding change: c.1751C>T on transcript NM_000142.5 (MANE Select); coding-DNA position 1751, C replaced by T.
Protein change: p.Pro584Leu; replaces proline 584 with leucine.
Molecular consequence: missense variant. On other transcripts: non-coding transcript variant (1).
Genome position (GRCh38, 1-based): chr4:1,805,855, C>T. VCF-style: chr4-1805855-C-T. GRCh37 (hg19) VCF-style: chr4-1807582-C-T.
Other names: c.1757C>T, p.Pro586Leu (NM_001163213.2); c.1754C>T, p.Pro585Leu (NM_001354809.2, NM_001354810.2); c.1415C>T, p.Pro472Leu (NM_022965.4); short protein forms P585L, P472L, P584L, P586L.
Identifiers: ClinVar variation 4987414 (VCV004987414.1).